The following is an entry in ClinVar:

ClinVar aggregate classification (germline): Conflicting classifications of pathogenicity. Review status: criteria provided, conflicting classifications (1 of 4 stars). 5 submissions from 5 submitters: Likely pathogenic (3); Uncertain significance (1). 1 of the submissions does not count toward it. Last evaluated 2025-12-09.

Conditions:
Hearing loss, autosomal recessive 57. Also called: DEAFNESS, AUTOSOMAL RECESSIVE 57. Identifiers: MedGen C4693893, MONDO:0033201, OMIM 618003.
PDZD7-related disorder. Also called: PDZD7-related condition; PDZD7-related disorders.

Allele frequency attached by ClinVar (database versions not stated): ExAC 0.00001; gnomAD exomes 0.00001; TOPMed 0.00002.

Submissions (5):

Genetics Research Center, University of Social Welfare and Rehabilitation Sciences
Classification: Likely pathogenic for Hearing loss, autosomal recessive 57. Last evaluated: 2025-12-09. Review status: criteria provided, single submitter. Criteria: ACMG Guidelines, 2015. Collection method: research. Allele origin: germline. Affected: yes.
Comment: The variant is present at a very low frequency in the gnomAD v2.1.1 dataset (allele frequency: 0.0008%). It has also been observed to segregate with disease in related individuals. RNA splicing prediction tools suggest that this variant may cause an aberrant splice site. Previous studies have reported its association with PDZD7-related disorders (PMID: 26416264, 29048736, 31454969).

PreventionGenetics, part of Exact Sciences
Classification: Uncertain significance for PDZD7-related condition. Last evaluated: 2023-06-20. Review status: criteria provided, single submitter. Criteria: ACMG Guidelines, 2015. Collection method: clinical testing. Allele origin: germline.
Comment: The PDZD7 c.682G>A variant is predicted to result in the amino acid substitution p.Gly228Arg. This variant has also been reported in the homozygous state in a patient with an unspecified phenotype (Table S7, Stranneheim. 2021. PubMed ID: 33726816). This variant is reported in 0.0018% of alleles in individuals of European (Non-Finnish) descent in gnomAD. Although we suspect that this variant may be pathogenic, at this time, the clinical significance of this variant is uncertain due to the absence of conclusive functional and genetic evidence.

Labcorp Genetics (formerly Invitae), Labcorp
Classification: Likely pathogenic. Last evaluated: 2022-07-19. Review status: criteria provided, single submitter. Criteria: Invitae Variant Classification Sherloc (09022015). Collection method: clinical testing. Allele origin: germline.
Comment: This sequence change replaces glycine, which is neutral and non-polar, with arginine, which is basic and polar, at codon 228 of the PDZD7 protein (p.Gly228Arg). This variant is present in population databases (rs753034799, gnomAD 0.002%). In summary, the currently available evidence indicates that the variant is pathogenic, but additional data are needed to prove that conclusively. Therefore, this variant has been classified as Likely Pathogenic. Algorithms developed to predict the effect of sequence changes on RNA splicing suggest that this variant may create or strengthen a splice site. Algorithms developed to predict the effect of missense changes on protein structure and function are either unavailable or do not agree on the potential impact of this missense change (SIFT: "Deleterious"; PolyPhen-2: "Not Available"; Align-GVGD: "Class C65"). ClinVar contains an entry for this variant (Variation ID: 545403). This missense change has been observed in individual(s) with autosomal recessive deafness (PMID: 26416264). It has also been observed to segregate with disease in related individuals.

SIB Swiss Institute of Bioinformatics
Classification: Likely pathogenic for Hearing loss, autosomal recessive 57. Last evaluated: 2018-10-15. Review status: criteria provided, single submitter. Criteria: ACMG Guidelines, 2015. Collection method: curation. Allele origin: unknown.
Comment: This variant is interpreted as Likely Pathogenic, for Deafness, autosomal recessive, 57. The following ACMG Tag(s) were applied: PM2 => Absent from controls (or at extremely low frequency if recessive) in Exome Sequencing Project, 1000 Genomes Project, or Exome Aggregation Consortium. PP3 => Multiple lines of computational evidence support a deleterious effect on the gene or gene product. PM1 => Located in a mutational hot spot and/or critical and well-established functional domain (e.g., active site of an enzyme) without benign variation. PP1 => Cosegregation with disease in multiple affected family members in a gene definitively known to cause the disease (PubMed 26416264).

OMIM
Classification: Pathogenic for DEAFNESS, AUTOSOMAL RECESSIVE 57. Last evaluated: 2018-06-01. Review status: no assertion criteria provided. Collection method: literature only. Allele origin: germline. Not counted in ClinVar's aggregate classification.

Literature cited by the submitters: PubMed 26416264 (cited by 3 submitters); PubMed 29048736 (cited by Genetics Research Center, University of Social Welfare and Rehabilitation Sciences); PubMed 31454969 (cited by Genetics Research Center, University of Social Welfare and Rehabilitation Sciences).

NM_001195263.2(PDZD7):c.682G>A (p.Gly228Arg)

Gene: PDZD7 (PDZ domain containing 7; minus strand). Cytogenetic location: 10q24.31.
Variant type: single nucleotide variant.
Coding change: c.682G>A on transcript NM_001195263.2 (MANE Select); coding-DNA position 682, G replaced by A.
Protein change: p.Gly228Arg; replaces glycine 228 with arginine.
Molecular consequence: missense variant.
Genome position (GRCh38, 1-based): chr10:101,022,246, C>T on the plus strand (G>A on the coding strand, the complement: PDZD7 is on the minus strand). VCF-style: chr10-101022246-C-T. GRCh37 (hg19) VCF-style: chr10-102782003-C-T.
Other names: c.682G>A, p.Gly228Arg (NM_001351044.2, NM_024895.5); short protein forms G228R.
Identifiers: ClinVar variation 545403 (VCV000545403.7), dbSNP rs753034799, ClinGen allele CA5654299.